The following is an entry in ClinVar:

NM_025207.5(FLAD1):c.373-562T>G

Gene: FLAD1 (flavin adenine dinucleotide synthetase 1; plus strand). Cytogenetic location: 1q21.3.
Variant type: single nucleotide variant.
Coding change: c.373-562T>G on transcript NM_025207.5 (MANE Select); 562 bases into the intron before coding-DNA position 373, T replaced by G.
Molecular consequence: intron variant. On other transcripts: 5 prime UTR variant (1).
Genome position (GRCh38, 1-based): chr1:154,987,543, T>G. VCF-style: chr1-154987543-T-G. GRCh37 (hg19) VCF-style: chr1-154960019-T-G.
Other names: c.-487T>G (NM_001184892.2); c.82-562T>G (NM_001184891.2, NM_201398.3).
Identifiers: ClinVar variation 676269 (VCV000676269.2), dbSNP rs7528060, ClinGen allele CA10927962.
Genomic context (GRCh38, chr1:154,987,543, plus strand): 5'-CTTTTGAGTCCAAGAGTGATGCAATCACAGTGACGCATTAAAACGGTTACTCCGGAGACA[T>G]CAGAGCACTGTGGCTGGAGGCTGGGAGCCTGGCCAGGAAGCTGTCGCCATTGTCCAGGTG-3'

ClinVar aggregate classification (germline): Benign. Review status: criteria provided, multiple submitters, no conflicts (2 of 4 stars). 2 submissions from 2 submitters: Benign (2). Last evaluated 2018-06-16.

Allele frequency attached by ClinVar (database versions not stated): gnomAD exomes 0.03446; gnomAD 0.12972 and 0.13634; 1000 Genomes Project 0.13099; 1000 Genomes Project 30x 0.13710; TOPMed 0.14085.
gnomAD v4.1: 20,323 of 173,002 alleles (12%); highest among the groups gnomAD compares: African/African-American, 38%; 3,113 homozygotes.

Submissions (2):

GeneDx
Classification: Benign. Last evaluated: 2018-06-16. Review status: criteria provided, single submitter. Criteria: GeneDx Variant Classification (06012015). Collection method: clinical testing. Allele origin: germline. Affected: yes.
Comment: This variant is considered likely benign or benign based on one or more of the following criteria: it is a conservative change, it occurs at a poorly conserved position in the protein, it is predicted to be benign by multiple in silico algorithms, and/or has population frequency not consistent with disease.

Breakthrough Genomics
Classification: Benign. Review status: criteria provided, single submitter. Criteria: ACMG Guidelines, 2015. Collection method: not provided. Allele origin: germline. Inheritance: Autosomal recessive inheritance. Affected: yes.